The following is an entry in ClinVar:

ClinVar aggregate classification (germline): Conflicting classifications of pathogenicity. Review status: criteria provided, conflicting classifications (1 of 4 stars). 6 submissions from 6 submitters: Pathogenic (1); Uncertain significance (4). 1 of the submissions does not count toward it. Last evaluated 2025-09-04.

Conditions:
Primary ciliary dyskinesia 3. Identifiers: Orphanet 244, MedGen C1837618, MONDO:0012085, OMIM 608644.
Respiratory ciliopathies including non-CF bronchiectasis.
Primary ciliary dyskinesia. Also called: Ciliary dyskinesia. Identifiers: Orphanet 244, MedGen C0008780, MONDO:0016575, HP:0012265.

Allele frequency attached by ClinVar (database versions not stated): gnomAD exomes below 0.00001 and 0.00001; ExAC 0.00001; gnomAD 0.00001; TOPMed 0.00001.
gnomAD v4.1: 15 of 1,613,496 alleles (0.00093%); highest among the groups gnomAD compares: East Asian, 0.0045%; no homozygotes.

Submissions (6):

Labcorp Genetics (formerly Invitae), Labcorp
Classification: Pathogenic for Primary ciliary dyskinesia. Last evaluated: 2025-09-04. Review status: criteria provided, single submitter. Criteria: Invitae Variant Classification Sherloc (09022015). Collection method: clinical testing. Allele origin: germline.
Comment: This sequence change replaces arginine, which is basic and polar, with cysteine, which is neutral and slightly polar, at codon 2943 of the DNAH5 protein (p.Arg2943Cys). This variant is present in population databases (rs758324905, gnomAD 0.0009%). This missense change has been observed in individuals with clinical features of DNAH5-related conditions (internal data). ClinVar contains an entry for this variant (Variation ID: 949808). Invitae Evidence Modeling of protein sequence and biophysical properties (such as structural, functional, and spatial information, amino acid conservation, physicochemical variation, residue mobility, and thermodynamic stability) has been performed for this missense variant. However, the output from this modeling did not meet the statistical confidence thresholds required to predict the impact of this variant on DNAH5 protein function. Algorithms developed to predict the effect of sequence changes on RNA splicing suggest that this variant may disrupt the consensus splice site. This variant disrupts the p.Arg2943 amino acid residue in DNAH5. Other variant(s) that disrupt this residue have been determined to be pathogenic (internal data). This suggests that this residue is clinically significant, and that variants that disrupt this residue are likely to be disease-causing. For these reasons, this variant has been classified as Pathogenic.

Myriad Genetics, Inc.
Classification: Uncertain significance for Primary ciliary dyskinesia 3. Last evaluated: 2025-07-22. Review status: criteria provided, single submitter. Criteria: Myriad Autosomal Dominant, Autosomal Recessive and X-Linked Classification Criteria (2023). Collection method: clinical testing. Allele origin: unknown.
Comment: NM_001369.2(DNAH5):c.8827C>T(R2943C) is a missense variant classified as a variant of uncertain significance in the context of primary ciliary dyskinesia, DNAH5-related. R2943C has not been observed in cases with relevant disease. Relevant functional assessments of this variant are not available in the literature. R2943C has been observed in referenced population frequency databases. In summary, there is insufficient evidence to classify NM_001369.2(DNAH5):c.8827C>T(R2943C) as pathogenic or benign. Please note: this variant was assessed in the context of healthy population screening.

Women's Health and Genetics/Laboratory Corporation of America, LabCorp
Classification: Uncertain significance. Last evaluated: 2025-07-14. Review status: criteria provided, single submitter. Criteria: LabCorp Variant Classification Summary - May 2015. Collection method: clinical testing. Allele origin: germline.
Comment: Variant summary: DNAH5 c.8827C>T (p.Arg2943Cys) results in a non-conservative amino acid change located in the P-loop containing dynein motor region D4 (IPR024317) of the encoded protein sequence. Algorithms developed to predict the effect of missense changes on protein structure and function all suggest that this variant is likely to be disruptive. The variant allele was found at a frequency of 4e-06 in 250832 control chromosomes. c.8827C>T has been observed in individuals affected with clinical features of Primary ciliary dyskinesia 3 (internal data). These data indicate that the variant may be associated with disease. To our knowledge, no experimental evidence demonstrating an impact on protein function has been reported. ClinVar contains an entry for this variant (Variation ID: 949808). Based on the evidence outlined above, the variant was classified as VUS-possibly pathogenic.

NHS Central & South Genomic Laboratory Hub
Classification: Uncertain significance for Respiratory ciliopathies including non-CF bronchiectasis. Last evaluated: 2025-04-09. Review status: criteria provided, single submitter. Criteria: ACMG Guidelines, 2015. Collection method: clinical testing. Allele origin: germline. Affected: yes.

Ambry Genetics
Classification: Uncertain significance for Primary ciliary dyskinesia. Last evaluated: 2022-06-07. Review status: criteria provided, single submitter. Criteria: Ambry Variant Classification Scheme 2023. Collection method: clinical testing. Allele origin: germline.
Comment: The p.R2943C variant (also known as c.8827C>T), located in coding exon 53 of the DNAH5 gene, results from a C to T substitution at nucleotide position 8827. The arginine at codon 2943 is replaced by cysteine, an amino acid with highly dissimilar properties. This amino acid position is highly conserved in available vertebrate species. In addition, this alteration is predicted to be deleterious by in silico analysis. Since supporting evidence is limited at this time, the clinical significance of this alteration remains unclear.

Natera, Inc.
Classification: Uncertain significance for Primary ciliary dyskinesia. Last evaluated: 2020-07-31. Review status: no assertion criteria provided. Collection method: clinical testing. Allele origin: germline. Not counted in ClinVar's aggregate classification.

NM_001369.3(DNAH5):c.8827C>T (p.Arg2943Cys)

Gene: DNAH5 (dynein axonemal heavy chain 5; minus strand). Cytogenetic location: 5p15.2.
Variant type: single nucleotide variant.
Coding change: c.8827C>T on transcript NM_001369.3 (MANE Select); coding-DNA position 8827, C replaced by T.
Protein change: p.Arg2943Cys; replaces arginine 2943 with cysteine.
Molecular consequence: missense variant.
Genome position (GRCh38, 1-based): chr5:13,780,953, G>A on the plus strand (C>T on the coding strand, the complement: DNAH5 is on the minus strand). VCF-style: chr5-13780953-G-A. GRCh37 (hg19) VCF-style: chr5-13781062-G-A.
Other names: short protein forms R2943C.
Identifiers: ClinVar variation 949808 (VCV000949808.20), dbSNP rs758324905, ClinGen allele CA3202699.